The following is an entry in ClinVar:

ClinVar aggregate classification (germline): Pathogenic/Likely pathogenic. Review status: criteria provided, multiple submitters, no conflicts (2 of 4 stars). 4 submissions from 4 submitters: Pathogenic (2); Likely pathogenic (2). Last evaluated 2025-11-24.

Conditions:
TYRP1-related disorder. Also called: TYRP1-related condition.
Oculocutaneous albinism type 3 (OCA3). Also called: RUFOUS OCULOCUTANEOUS ALBINISM; XANTHISM; Rufous OCA; Rufous albinism; Albinism, oculocutaneous, type III; ALBINISM III. Identifiers: Orphanet 79433, MedGen C0342683, MONDO:0008747, OMIM 203290.
MELANESIAN BLOND HAIR (SHEP11). Also called: SKIN/HAIR/EYE PIGMENTATION 11, BLUE/NONBLUE EYES; Skin/hair/eye pigmentation, variation in, 11. Identifiers: MedGen C2677086, OMIM 612271.

Allele frequency attached by ClinVar (database versions not stated): ExAC 0.00003; gnomAD 0.00003 and 0.00004; gnomAD exomes 0.00003 and 0.00006; TOPMed 0.00004.
gnomAD v4.1: 22 of 1,613,968 alleles (0.0014%); highest among the groups gnomAD compares: Admixed American, 0.03%; no homozygotes.

Submissions (4):

Labcorp Genetics (formerly Invitae), Labcorp
Classification: Pathogenic. Last evaluated: 2025-11-24. Review status: criteria provided, single submitter. Criteria: Invitae Variant Classification Sherloc (09022015). Collection method: clinical testing. Allele origin: germline.
Comment: This sequence change creates a premature translational stop signal (p.Trp117*) in the TYRP1 gene. It is expected to result in an absent or disrupted protein product. Loss-of-function variants in TYRP1 are known to be pathogenic (PMID: 8651291, 9345097). This variant is present in population databases (rs780433845, gnomAD 0.04%). This premature translational stop signal has been observed in individual(s) with ocular albinism (internal data). ClinVar contains an entry for this variant (Variation ID: 1325324). For these reasons, this variant has been classified as Pathogenic.

Blueprint Genetics
Classification: Likely pathogenic for TYRP1-related disorders. Last evaluated: 2024-04-30. Review status: criteria provided, single submitter. Criteria: ACMG Guidelines, 2015. Collection method: clinical testing. Allele origin: germline. Affected: yes. Observed: 2 variant alleles.

Fulgent Genetics
Classification: Likely pathogenic for Oculocutaneous albinism type 3; MELANESIAN BLOND HAIR. Last evaluated: 2024-03-07. Review status: criteria provided, single submitter. Criteria: ACMG Guidelines, 2015. Collection method: clinical testing. Allele origin: germline.

Women's Health and Genetics/Laboratory Corporation of America, LabCorp
Classification: Pathogenic for Oculocutaneous albinism type 3. Last evaluated: 2024-02-27. Review status: criteria provided, single submitter. Criteria: LabCorp Variant Classification Summary - May 2015. Collection method: clinical testing. Allele origin: germline.
Comment: Variant summary: TYRP1 c.351G>A (p.Trp117X) results in a premature termination codon, predicted to cause absence of the protein due to nonsense mediated decay, which is a commonly known mechanism for disease. The variant allele was found at a frequency of 6e-05 in 250222 control chromosomes. To our knowledge, no occurrence of c.351G>A in individuals affected with Oculocutaneous albinism type 3 and no experimental evidence demonstrating its impact on protein function have been reported. ClinVar contains an entry for this variant (Variation ID: 1325324). Based on the evidence outlined above, the variant was classified as pathogenic.

Literature cited by the submitters: PubMed 8651291 (cited by Labcorp Genetics (formerly Invitae), Labcorp); PubMed 9345097 (cited by Labcorp Genetics (formerly Invitae), Labcorp).

NM_000550.3(TYRP1):c.351G>A (p.Trp117Ter)

Gene: TYRP1 (tyrosinase related protein 1; plus strand). Cytogenetic location: 9p23.
Variant type: single nucleotide variant.
Coding change: c.351G>A on transcript NM_000550.3 (MANE Select); coding-DNA position 351, G replaced by A.
Protein change: p.Trp117Ter; replaces tryptophan 117 with a stop codon.
Molecular consequence: nonsense.
Genome position (GRCh38, 1-based): chr9:12,694,347, G>A. VCF-style: chr9-12694347-G-A. GRCh37 (hg19) VCF-style: chr9-12694347-G-A.
Other names: short protein forms W117*.
Identifiers: ClinVar variation 1325324 (VCV001325324.12), dbSNP rs780433845, ClinGen allele CA4985175.
Genomic context (GRCh38, chr9:12,694,347, plus strand): 5'-GACATGTCACTGCAACGGCAATTTCTCAGGACACAACTGTGGGACGTGCCGTCCTGGCTG[G>A]AGAGGAGCTGCCTGTGACCAGAGGGTTCTCATAGGTAAGTGGAGATATGAATGAGTTCAT-3'